The following is an entry in ClinVar:

ClinVar aggregate classification (germline): Conflicting classifications of pathogenicity. Review status: criteria provided, conflicting classifications (1 of 4 stars). 5 submissions from 5 submitters: Uncertain significance (2); Benign (2); Likely benign (1). Last evaluated 2026-01-14.

Conditions:
Dalmatian hypouricemia (RHUC1). Identifiers: MedGen C0473219, MONDO:0020728, OMIM 220150.
SLC22A12-related disorder. Also called: SLC22A12-related condition.

Allele frequency attached by ClinVar (database versions not stated): 1000 Genomes Project 0.00459; gnomAD 0.00464 and 0.00439; ESP Exome Variant Server 0.00485; gnomAD exomes 0.00077 and 0.00157; ExAC 0.00252; TOPMed 0.00447; 1000 Genomes Project 30x 0.00453.
gnomAD v4.1: 1,821 of 1,605,846 alleles (0.11%); highest among the groups gnomAD compares: African/African-American, 1.4%; 9 homozygotes.

Submissions (5):

Labcorp Genetics (formerly Invitae), Labcorp
Classification: Benign. Last evaluated: 2026-01-14. Review status: criteria provided, single submitter. Criteria: Invitae Variant Classification Sherloc (09022015). Collection method: clinical testing. Allele origin: germline.

Mayo Clinic Laboratories, Mayo Clinic
Classification: Likely benign. Last evaluated: 2025-12-06. Review status: criteria provided, single submitter. Criteria: ACMG Guidelines, 2015. Collection method: clinical testing. Allele origin: germline. Observed: 1 variant allele.
Comment: BS1, BP4

PreventionGenetics, part of Exact Sciences
Classification: Benign for SLC22A12-related condition. Last evaluated: 2025-08-11. Review status: criteria provided, single submitter. Criteria: ACMG Guidelines, 2015. Collection method: clinical testing. Allele origin: germline.
Comment: This variant is classified as benign based on ACMG/AMP sequence variant interpretation guidelines (Richards et al. 2015 PMID: 25741868, with internal and published modifications).

Rare Kidney Stone Consortium and the Mayo Clinic Hyperoxaluria Center, Mayo Clinic
Classification: Uncertain significance for Dalmatian hypouricemia. Last evaluated: 2025-05-01. Review status: criteria provided, single submitter. Criteria: ACMG Guidelines, 2015. Collection method: research. Allele origin: germline.
Comment: ACMG: PS1, PS3, BS1

2 x unrelated heterozygotes

Illumina Laboratory Services, Illumina
Classification: Uncertain significance for Dalmatian hypouricemia. Last evaluated: 2017-04-28. Review status: criteria provided, single submitter. Criteria: ICSL Variant Classification Criteria 13 December 2019. Collection method: clinical testing. Allele origin: germline.
Comment: This variant was observed as part of a predisposition screen in an ostensibly healthy population. A literature search was performed for the gene, cDNA change, and amino acid change (where applicable). Publications were found based on this search. However, the evidence from the literature, in combination with allele frequency data from public databases where available, was not sufficient to rule this variant in or out of causing disease. Therefore, this variant is classified as a variant of unknown significance.

Literature cited by the submitters: PubMed 22194875 (cited by 3 submitters); PubMed 30315176 (cited by Mayo Clinic Laboratories, Mayo Clinic and Rare Kidney Stone Consortium and the Mayo Clinic Hyperoxaluria Center, Mayo Clinic); PubMed 34662886 (cited by Mayo Clinic Laboratories, Mayo Clinic and Rare Kidney Stone Consortium and the Mayo Clinic Hyperoxaluria Center, Mayo Clinic); PubMed 34805638 (cited by Mayo Clinic Laboratories, Mayo Clinic and Rare Kidney Stone Consortium and the Mayo Clinic Hyperoxaluria Center, Mayo Clinic); PubMed 36454034 (cited by Mayo Clinic Laboratories, Mayo Clinic and Rare Kidney Stone Consortium and the Mayo Clinic Hyperoxaluria Center, Mayo Clinic); PubMed 36938085 (cited by Mayo Clinic Laboratories, Mayo Clinic and Rare Kidney Stone Consortium and the Mayo Clinic Hyperoxaluria Center, Mayo Clinic).

NM_144585.4(SLC22A12):c.1301G>A (p.Arg434His)

Gene: SLC22A12 (solute carrier family 22 member 12; plus strand). Cytogenetic location: 11q13.1.
Variant type: single nucleotide variant.
Coding change: c.1301G>A on transcript NM_144585.4 (MANE Select); coding-DNA position 1301, G replaced by A.
Protein change: p.Arg434His; replaces arginine 434 with histidine.
Molecular consequence: missense variant.
Genome position (GRCh38, 1-based): chr11:64,600,382, G>A. VCF-style: chr11-64600382-G-A. GRCh37 (hg19) VCF-style: chr11-64367854-G-A.
Other names: p.Arg434His; c.1199G>A, p.Arg400His (NM_001276326.2); c.977G>A, p.Arg326His (NM_001276327.2); c.638G>A, p.Arg213His (NM_153378.3); short protein forms R213H, R326H, R400H, R434H.
Identifiers: ClinVar variation 720713 (VCV000720713.17), dbSNP rs147647315, ClinGen allele CA6077402.
Genomic context (GRCh38, chr11:64,600,382, plus strand): 5'-TCTTGGGCCCCCCACCAAGCTCACTAATCCCATCTCTACCCACAGAAATGGGGGCTCTGC[G>A]CTCAGCCTTGGCCGTGCTGGGGCTGGGCGGGGTGGGGGCTGCCTTCACCTGCATCACCAT-3'
Protein context (NP_653186.2, residues 424-444): TLVPHEMGAL[Arg434His]SALAVLGLGG